The following is an entry in ClinVar:

ClinVar aggregate classification (germline): Likely benign (0 of 4 stars; one submission).

Conditions:
UNC45B-related disorder. Also called: UNC45B-related condition.

Allele frequency attached by ClinVar (database versions not stated): TOPMed below 0.00001.

Submission:

PreventionGenetics, part of Exact Sciences
Classification: Likely benign for UNC45B-related condition. Last evaluated: 2022-10-06. Review status: no assertion criteria provided. Collection method: clinical testing. Allele origin: germline.
Comment: This variant is classified as likely benign based on ACMG/AMP sequence variant interpretation guidelines (Richards et al. 2015 PMID: 25741868, with internal and published modifications).

NM_001267052.2(UNC45B):c.210C>A (p.Ile70=)

Gene: UNC45B (unc-45 myosin chaperone B; plus strand). Cytogenetic location: 17q12.
Variant type: single nucleotide variant.
Coding change: c.210C>A on transcript NM_001267052.2 (MANE Select); coding-DNA position 210, C replaced by A.
Protein change: p.Ile70=; no amino-acid change (isoleucine 70 retained).
Molecular consequence: synonymous variant.
Genome position (GRCh38, 1-based): chr17:35,150,052, C>A. VCF-style: chr17-35150052-C-A. GRCh37 (hg19) VCF-style: chr17-33477071-C-A.
Other names: c.210C>A, p.Ile70= (NM_001033576.2, NM_001308281.1, NM_173167.3).
Identifiers: ClinVar variation 3053744 (VCV003053744.2), dbSNP rs373738527, ClinGen allele CA499749493.
Genomic context (GRCh38, chr17:35,150,052, plus strand): 5'-CTGGTGGTCTGTAGTCTGGCTCCCTAAGGTCCTCATCCCCCGTCTCCCCTCGATAGCCAT[C>A]GACATCAACTCCTCGGACATCAAGGCTCTGTATCGGCGATGCCAGGCACTGGAGCACCTG-3'
Protein context (NP_001253981.1, residues 60-80): VQAASDASRA[Ile70=]DINSSDIKAL